The following is an entry in ClinVar:

NM_004371.4(COPA):c.2932T>A (p.Ser978Thr)

Gene: COPA (coat protein complex I subunit alpha; minus strand). Cytogenetic location: 1q23.2.
Variant type: single nucleotide variant.
Coding change: c.2932T>A on transcript NM_004371.4 (MANE Select); coding-DNA position 2932, T replaced by A.
Protein change: p.Ser978Thr; replaces serine 978 with threonine.
Molecular consequence: missense variant.
Genome position (GRCh38, 1-based): chr1:160,292,512, A>T on the plus strand (T>A on the coding strand, the complement: COPA is on the minus strand). VCF-style: chr1-160292512-A-T. GRCh37 (hg19) VCF-style: chr1-160262302-A-T.
Other names: c.2959T>A, p.Ser987Thr (NM_001098398.2); short protein forms S978T, S987T.
Identifiers: ClinVar variation 1719834 (VCV001719834.5), dbSNP rs2525350493, ClinGen allele CA343272787.

ClinVar aggregate classification (germline): Uncertain significance (1 of 4 stars; one submission).

Conditions:
Autoimmune interstitial lung disease-arthritis syndrome. Also called: Autoinflammation and autoimmunity, systemic, with immune dysregulation. Identifiers: Orphanet 444092, MedGen C5975714, MONDO:0014629.

gnomAD v4.1: 1 of 1,613,678 alleles (0.000062%); no homozygotes.

Submission:

Labcorp Genetics (formerly Invitae), Labcorp
Classification: Uncertain significance for Autoimmune interstitial lung disease-arthritis syndrome. Last evaluated: 2022-09-20. Review status: criteria provided, single submitter. Criteria: Invitae Variant Classification Sherloc (09022015). Collection method: clinical testing. Allele origin: germline.
Comment: This variant is not present in population databases (gnomAD no frequency). This sequence change replaces serine, which is neutral and polar, with threonine, which is neutral and polar, at codon 978 of the COPA protein (p.Ser978Thr). This variant has not been reported in the literature in individuals affected with COPA-related conditions. In summary, the available evidence is currently insufficient to determine the role of this variant in disease. Therefore, it has been classified as a Variant of Uncertain Significance. Advanced modeling of protein sequence and biophysical properties (such as structural, functional, and spatial information, amino acid conservation, physicochemical variation, residue mobility, and thermodynamic stability) performed at Invitae indicates that this missense variant is not expected to disrupt COPA protein function.